The following is an entry in ClinVar:

ClinVar aggregate classification (germline): Conflicting classifications of pathogenicity. Review status: criteria provided, conflicting classifications (1 of 4 stars). 3 submissions from 2 submitters: Uncertain significance (2); Benign (1). Last evaluated 2022-06-01.

Conditions:
Idiopathic hypereosinophilic syndrome (HES). Identifiers: Orphanet 3260, MedGen C0206141, MONDO:0011895, OMIM 607685. Disease mechanism: gain of function.
Gastrointestinal stromal tumor. Also called: Gastrointestinal stromal tumor, somatic; Gastrointestinal stroma tumor. Identifiers: Orphanet 44890, MedGen C0238198, MeSH D046152, MONDO:0011719, OMIM 606764, HP:0100723.

Allele frequency attached by ClinVar (database versions not stated): 1000 Genomes Project 30x 0.00016; gnomAD 0.00035; gnomAD exomes 0.00039; TOPMed 0.00065.
gnomAD v4.1: 91 of 185,344 alleles (0.049%); highest among the groups gnomAD compares: Admixed American, 0.087%; no homozygotes.

Submissions (3):

CeGaT Center for Human Genetics Tuebingen
Classification: Benign. Last evaluated: 2022-06-01. Review status: criteria provided, single submitter. Criteria: CeGaT Center For Human Genetics Tuebingen Variant Classification Criteria Version 2. Collection method: clinical testing. Allele origin: germline. Affected: yes. Observed: 1 variant allele.
Comment: PDGFRA: BS1, BS2

Illumina Laboratory Services, Illumina
Classification: Uncertain significance for Idiopathic hypereosinophilic syndrome. Last evaluated: 2018-01-13. Review status: criteria provided, single submitter. Criteria: ICSL Variant Classification Criteria 13 December 2019. Collection method: clinical testing. Allele origin: germline.

Illumina Laboratory Services, Illumina
Classification: Uncertain significance for Gastrointestinal stromal tumor. Last evaluated: 2018-01-13. Review status: criteria provided, single submitter. Criteria: ICSL Variant Classification Criteria 13 December 2019. Collection method: clinical testing. Allele origin: germline.

NM_006206.6(PDGFRA):c.*2970G>T

Gene: PDGFRA (platelet derived growth factor receptor alpha; plus strand). Cytogenetic location: 4q12.
Variant type: single nucleotide variant.
Coding change: c.*2970G>T on transcript NM_006206.6 (MANE Select); 2970 bases downstream of the stop codon, G replaced by T.
Molecular consequence: 3 prime UTR variant.
Genome position (GRCh38, 1-based): chr4:54,298,242, G>T. VCF-style: chr4-54298242-G-T. GRCh37 (hg19) VCF-style: chr4-55164409-G-T.
Other names: c.*2970G>T (NM_001347828.2, NM_001347829.2, NM_001347830.2).
Identifiers: ClinVar variation 348953 (VCV000348953.29), dbSNP rs752208389, ClinGen allele CA10621208.